The following is an entry in ClinVar:

ClinVar aggregate classification (germline): Uncertain significance (1 of 4 stars; one submission).

Conditions:
Tuberous sclerosis 2 (TSC2). Identifiers: Orphanet 805, MedGen C1860707, MONDO:0013199, OMIM 613254.

Allele frequency attached by ClinVar (database versions not stated): gnomAD exomes below 0.00001.
gnomAD v4.1: 1 of 1,613,130 alleles (0.000062%); highest among the groups gnomAD compares: Middle Eastern, 0.016%; no homozygotes.

Submission:

Labcorp Genetics (formerly Invitae), Labcorp
Classification: Uncertain significance for Tuberous sclerosis 2. Last evaluated: 2025-11-30. Review status: criteria provided, single submitter. Criteria: Invitae Variant Classification Sherloc (09022015). Collection method: clinical testing. Allele origin: germline.
Comment: This sequence change replaces isoleucine, which is neutral and non-polar, with valine, which is neutral and non-polar, at codon 871 of the TSC2 protein (p.Ile871Val). This variant is not present in population databases (gnomAD no frequency). This variant has not been reported in the literature in individuals affected with TSC2-related conditions. ClinVar contains an entry for this variant (Variation ID: 1720647). Invitae Evidence Modeling of protein sequence and biophysical properties (such as structural, functional, and spatial information, amino acid conservation, physicochemical variation, residue mobility, and thermodynamic stability) indicates that this missense variant is not expected to disrupt TSC2 protein function with a negative predictive value of 95%. In summary, the available evidence is currently insufficient to determine the role of this variant in disease. Therefore, it has been classified as a Variant of Uncertain Significance.

NM_000548.5(TSC2):c.2611A>G (p.Ile871Val)

Gene: TSC2 (TSC complex subunit 2; plus strand). Cytogenetic location: 16p13.3.
Variant type: single nucleotide variant.
Coding change: c.2611A>G on transcript NM_000548.5 (MANE Select); coding-DNA position 2611, A replaced by G.
Protein change: p.Ile871Val; replaces isoleucine 871 with valine.
Molecular consequence: missense variant.
Genome position (GRCh38, 1-based): chr16:2,075,864, A>G. VCF-style: chr16-2075864-A-G. GRCh37 (hg19) VCF-style: chr16-2125865-A-G.
Other names: c.2611A>G, p.Ile871Val (NM_001077183.3, NM_001114382.3, NM_001363528.2 and 6 more transcripts); c.2500A>G, p.Ile834Val (NM_001318827.2, NM_001406670.1, NM_001406678.1); c.2464A>G, p.Ile822Val (NM_001318829.2, NM_001406679.1, NM_001406675.1 and 1 more transcripts); c.2011A>G, p.Ile671Val (NM_001318831.2, NM_001406680.1, NM_001406682.1 and 6 more transcripts); c.2644A>G, p.Ile882Val (NM_001318832.2); c.2149A>G, p.Ile717Val (NM_001406681.1); c.1009A>G, p.Ile337Val (NM_001406698.1); c.2701A>G, p.Ile901Val (NM_001406667.1, NM_001406668.1); and 3 more; short protein forms I337V, I423V, I671V, I717V, I822V, I834V, I852V, I867V.
Identifiers: ClinVar variation 1720647 (VCV001720647.5), dbSNP rs2151381494, ClinGen allele CA394278432.